The following is an entry in ClinVar:

NM_001244008.2(KIF1A):c.284C>T (p.Ala95Val)

Gene: KIF1A (kinesin family member 1A; minus strand). Cytogenetic location: 2q37.3.
Variant type: single nucleotide variant.
Coding change: c.284C>T on transcript NM_001244008.2 (MANE Select); coding-DNA position 284, C replaced by T.
Protein change: p.Ala95Val; replaces alanine 95 with valine.
Molecular consequence: missense variant.
Genome position (GRCh38, 1-based): chr2:240,788,130, G>A on the plus strand (C>T on the coding strand, the complement: KIF1A is on the minus strand). VCF-style: chr2-240788130-G-A. GRCh37 (hg19) VCF-style: chr2-241727547-G-A.
Other names: c.284C>T, p.Ala95Val (NM_001320705.2, NM_001330289.2, NM_001330290.2 and 20 more transcripts); short protein forms A95V.
Identifiers: ClinVar variation 1356785 (VCV001356785.6), dbSNP rs2126091878, ClinGen allele CA351310360.

ClinVar aggregate classification (germline): Uncertain significance (1 of 4 stars; one submission).

Conditions:
Neuropathy, hereditary sensory, type 2C. Also called: KIF1A-Related HSAN2 (HSAN2C); Hereditary sensory and autonomic neuropathy type IIC. Identifiers: Orphanet 970, MedGen C3280168, MONDO:0013634, OMIM 614213.
Intellectual disability, autosomal dominant 9 (NESCAVS). Also called: KIF1A-Related Neurodevelopmental Disorder; NESCAV SYNDROME. Identifiers: Orphanet 662367, MedGen C5393830, MONDO:0013656, OMIM 614255.
Hereditary spastic paraplegia 30. Identifiers: Orphanet 101010, MedGen C5235139, MONDO:0012476.

Submission:

Labcorp Genetics (formerly Invitae), Labcorp
Classification: Uncertain significance for Hereditary spastic paraplegia 30; Neuropathy, hereditary sensory, type 2C; Intellectual disability, autosomal dominant 9. Last evaluated: 2021-10-03. Review status: criteria provided, single submitter. Criteria: Invitae Variant Classification Sherloc (09022015). Collection method: clinical testing. Allele origin: germline.
Comment: This sequence change replaces alanine with valine at codon 95 of the KIF1A protein (p.Ala95Val). The alanine residue is highly conserved and there is a small physicochemical difference between alanine and valine. This variant is not present in population databases (ExAC no frequency). This variant has not been reported in the literature in individuals affected with KIF1A-related conditions. Advanced modeling of protein sequence and biophysical properties (such as structural, functional, and spatial information, amino acid conservation, physicochemical variation, residue mobility, and thermodynamic stability) performed at Invitae indicates that this missense variant is expected to disrupt KIF1A protein function. In summary, the available evidence is currently insufficient to determine the role of this variant in disease. Therefore, it has been classified as a Variant of Uncertain Significance.